The following is an entry in ClinVar:

NM_001267550.2(TTN):c.94549G>A (p.Asp31517Asn)

Genes: TTN (titin; minus strand), TTN-AS1 (TTN antisense RNA 1; plus strand). Cytogenetic location: 2q31.2.
Variant type: single nucleotide variant.
Coding change: c.94549G>A on transcript NM_001267550.2 (MANE Select); coding-DNA position 94549, G replaced by A.
Protein change: p.Asp31517Asn; replaces aspartic acid 31517 with asparagine.
Molecular consequence: missense variant.
Genome position (GRCh38, 1-based): chr2:178,546,879, C>T on the plus strand (G>A on the coding strand, the complement: TTN is on the minus strand). VCF-style: chr2-178546879-C-T. GRCh37 (hg19) VCF-style: chr2-179411606-C-T.
Other names: c.89626G>A, p.Asp29876Asn (NM_001256850.1); c.67354G>A, p.Asp22452Asn (NM_003319.4); c.86845G>A, p.Asp28949Asn (NM_133378.4); c.67729G>A, p.Asp22577Asn (NM_133432.3); c.67930G>A, p.Asp22644Asn (NM_133437.4); short protein forms D31517N, D22577N, D22452N, D22644N, D28949N, D29876N.
Identifiers: ClinVar variation 1755158 (VCV001755158.2), dbSNP rs754507654, ClinGen allele CA1987101.
Genomic context (GRCh38, chr2:178,546,879, plus strand): 5'-TGCTGCCTCCATCATACGCTGGGGCAGACCAAATCAGTGATACTGTTGATCTTGTGACAT[C>T]TGTCACCTCTGGTCTGCCTGGTGCATCTGGAAGGGATGCAAAAATAAGGTTAAAATATAC-3'
Protein context (NP_001254479.2, residues 31507-31527): VDAPGRPEVT[Asp31517Asn]VTRSTVSLIW

ClinVar aggregate classification (germline): Uncertain significance (1 of 4 stars; one submission).

Conditions:
Cardiovascular phenotype. Identifiers: MedGen CN230736.

Allele frequency attached by ClinVar (database versions not stated): gnomAD exomes below 0.00001; ExAC 0.00001.
gnomAD v4.1: 1 of 1,592,946 alleles (0.000063%); highest among the groups gnomAD compares: African/African-American, 0.0013%; no homozygotes.

Submission:

Ambry Genetics
Classification: Uncertain significance for Cardiovascular phenotype. Last evaluated: 2018-02-28. Review status: criteria provided, single submitter. Criteria: Ambry Variant Classification Scheme 2023. Collection method: clinical testing. Allele origin: germline.
Comment: The p.D22452N variant (also known as c.67354G>A), located in coding exon 168 of the TTN gene, results from a G to A substitution at nucleotide position 67354. The aspartic acid at codon 22452 is replaced by asparagine, an amino acid with highly similar properties. This amino acid position is highly conserved in available vertebrate species. In addition, this alteration is predicted to be tolerated by in silico analysis. Since supporting evidence is limited at this time, the clinical significance of this alteration remains unclear.